The following is an entry in ClinVar:

ClinVar aggregate classification (germline): Uncertain significance. Review status: criteria provided, multiple submitters, no conflicts (2 of 4 stars). 2 submissions from 2 submitters: Uncertain significance (2). Last evaluated 2025-11-05.

gnomAD v4.1: 43 of 1,510,614 alleles (0.0028%); highest among the groups gnomAD compares: Middle Eastern, 0.017%; no homozygotes.

Submissions (2):

Women's Health and Genetics/Laboratory Corporation of America, LabCorp
Classification: Uncertain significance. Last evaluated: 2025-11-05. Review status: criteria provided, single submitter. Criteria: LabCorp Variant Classification Summary - May 2015. Collection method: clinical testing. Allele origin: germline.
Comment: Variant summary: TTN NM_133378 c.32880A>C (p.Glu10960Asp), also known as NM_001267550 c.40584A>C p.Glu13528Asp, results in a conservative amino acid change in the encoded protein sequence. Algorithms developed to predict the effect of missense changes on protein structure and function are either unavailable or do not agree on the potential impact of this missense change. The variant allele was found at a frequency of 1.6e-05 in 126270 control chromosomes. The available data on variant occurrences in the general population are insufficient to allow any conclusion about variant significance. c.32880A>C has been observed at a heterozygous state as a VUS change in one individual affected with LQTS (Mates_2018). These report(s) do not provide unequivocal conclusions about association of the variant with Autosomal Recessive Titinopathy. Co-occurrences with other pathogenic variant(s) have been reported (KCNQ1 Exons 89 Del), providing supporting evidence for a benign role. To our knowledge, no experimental evidence demonstrating an impact on protein function has been reported. The following publication has been ascertained in the context of this evaluation (PMID: 29511324). No submitters have cited clinical-significance assessments for this variant to ClinVar. Based on the evidence outlined above, the variant was classified as uncertain significance.

Revvity Omics, Revvity
Classification: Uncertain significance. Last evaluated: 2024-09-10. Review status: criteria provided, single submitter. Criteria: ACMG Guidelines, 2015. Collection method: clinical testing. Allele origin: germline.

Literature cited by the submitters: PubMed 29511324 (cited by Women's Health and Genetics/Laboratory Corporation of America, LabCorp).

NM_001267550.2(TTN):c.40584A>C (p.Glu13528Asp)

Gene: TTN (titin; minus strand). Cytogenetic location: 2q31.2.
Variant type: single nucleotide variant.
Coding change: c.40584A>C on transcript NM_001267550.2 (MANE Select); coding-DNA position 40584, A replaced by C.
Protein change: p.Glu13528Asp; replaces glutamic acid 13528 with aspartic acid.
Molecular consequence: missense variant.
Genome position (GRCh38, 1-based): chr2:178,641,290, T>G on the plus strand (A>C on the coding strand, the complement: TTN is on the minus strand). VCF-style: chr2-178641290-T-G. GRCh37 (hg19) VCF-style: chr2-179506017-T-G.
Other names: c.35661A>C, p.Glu11887Asp (NM_001256850.1); c.13389A>C, p.Glu4463Asp (NM_003319.4); c.32880A>C, p.Glu10960Asp (NM_133378.4); c.13764A>C, p.Glu4588Asp (NM_133432.3); c.13965A>C, p.Glu4655Asp (NM_133437.4); short protein forms E10960D, E11887D, E13528D, E4463D, E4588D, E4655D.
Identifiers: ClinVar variation 4080726 (VCV004080726.2).